The following is an entry in ClinVar:

ClinVar aggregate classification (germline): Conflicting classifications of pathogenicity. Review status: criteria provided, conflicting classifications (1 of 4 stars). 3 submissions from 3 submitters: Uncertain significance (2); Likely benign (1). Last evaluated 2026-01-25.

Conditions:
Familial thoracic aortic aneurysm and aortic dissection (TAAD). Also called: Thoracic aortic aneurysms and dissections. Identifiers: Orphanet 91387, MedGen C4707243, MONDO:0019625.
Ehlers-Danlos syndrome, classic type, 1 (EDSCL1). Also called: EHLERS-DANLOS SYNDROME, GRAVIS TYPE; EHLERS-DANLOS SYNDROME, SEVERE CLASSIC TYPE; EDS I; Ehlers-Danlos Syndrome, Classic Type, COL5A1-Related; Ehlers-Danlos syndrome, type 1. Identifiers: MedGen C0268335, MONDO:0019567, OMIM 130000.

Allele frequency attached by ClinVar (database versions not stated): TOPMed 0.00002; gnomAD exomes 0.00001; gnomAD 0.00004 and 0.00003; ESP Exome Variant Server 0.00008; ExAC 0.00001.
gnomAD v4.1: 18 of 1,613,560 alleles (0.0011%); highest among the groups gnomAD compares: African/African-American, 0.0053%; no homozygotes.

Submissions (3):

Labcorp Genetics (formerly Invitae), Labcorp
Classification: Likely benign for Ehlers-Danlos syndrome, classic type, 1. Last evaluated: 2026-01-25. Review status: criteria provided, single submitter. Criteria: Invitae Variant Classification Sherloc (09022015). Collection method: clinical testing. Allele origin: germline.

GeneDx
Classification: Uncertain significance. Last evaluated: 2024-05-07. Review status: criteria provided, single submitter. Criteria: GeneDx Variant Classification Process June 2021. Collection method: clinical testing. Allele origin: germline. Affected: yes.
Comment: Has not been previously published as pathogenic or benign to our knowledge; Not observed at a significant frequency in large population cohorts (gnomAD); In silico analysis supports that this missense variant has a deleterious effect on protein structure/function; Not located in the triple helical region, where the majority of pathogenic missense variants occur (HGMD; PMID: 22696272); This variant is associated with the following publications: (PMID: 22696272)

Ambry Genetics
Classification: Uncertain significance for Familial thoracic aortic aneurysm and aortic dissection. Last evaluated: 2019-11-06. Review status: criteria provided, single submitter. Criteria: Ambry Variant Classification Scheme 2023. Collection method: clinical testing. Allele origin: germline.
Comment: The p.R1391H variant (also known as c.4172G>A), located in coding exon 53 of the COL5A2 gene, results from a G to A substitution at nucleotide position 4172. The arginine at codon 1391 is replaced by histidine, an amino acid with highly similar properties. This amino acid position is highly conserved in available vertebrate species. In addition, this alteration is predicted to be deleterious by in silico analysis. Since supporting evidence is limited at this time, the clinical significance of this alteration remains unclear.

NM_000393.5(COL5A2):c.4172G>A (p.Arg1391His)

Gene: COL5A2 (collagen type V alpha 2 chain; minus strand). Cytogenetic location: 2q32.2.
Variant type: single nucleotide variant.
Coding change: c.4172G>A on transcript NM_000393.5 (MANE Select); coding-DNA position 4172, G replaced by A.
Protein change: p.Arg1391His; replaces arginine 1391 with histidine.
Molecular consequence: missense variant.
Genome position (GRCh38, 1-based): chr2:189,035,097, C>T on the plus strand (G>A on the coding strand, the complement: COL5A2 is on the minus strand). VCF-style: chr2-189035097-C-T. GRCh37 (hg19) VCF-style: chr2-189899823-C-T.
Other names: short protein forms R1391H.
Identifiers: ClinVar variation 449639 (VCV000449639.15), dbSNP rs150931608, ClinGen allele CA2021831.